The following is an entry in ClinVar:

ClinVar aggregate classification (germline): Uncertain significance (1 of 4 stars; one submission).

Conditions:
Aortic aneurysm, familial thoracic 4 (AAT4). Also called: AORTIC ANEURYSM/AORTIC DISSECTION AND PATENT DUCTUS ARTERIOSUS. Identifiers: MedGen C1851504, MONDO:0007568, OMIM 132900.

Submission:

Labcorp Genetics (formerly Invitae), Labcorp
Classification: Uncertain significance for Aortic aneurysm, familial thoracic 4. Last evaluated: 2023-01-15. Review status: criteria provided, single submitter. Criteria: Invitae Variant Classification Sherloc (09022015). Collection method: clinical testing. Allele origin: germline.
Comment: In summary, the available evidence is currently insufficient to determine the role of this variant in disease. Therefore, it has been classified as a Variant of Uncertain Significance. Advanced modeling of protein sequence and biophysical properties (such as structural, functional, and spatial information, amino acid conservation, physicochemical variation, residue mobility, and thermodynamic stability) performed at Invitae indicates that this missense variant is not expected to disrupt MYH11 protein function. This variant has not been reported in the literature in individuals affected with MYH11-related conditions. This variant is not present in population databases (gnomAD no frequency). This sequence change replaces valine, which is neutral and non-polar, with phenylalanine, which is neutral and non-polar, at codon 1886 of the MYH11 protein (p.Val1886Phe).

NM_002474.3(MYH11):c.5635G>T (p.Val1879Phe)

Genes: MYH11 (myosin heavy chain 11; minus strand), NDE1 (nudE neurodevelopment protein 1; plus strand). Cytogenetic location: 16p13.11.
Variant type: single nucleotide variant.
Coding change: c.5635G>T on transcript NM_002474.3 (MANE Select); coding-DNA position 5635, G replaced by T.
Protein change: p.Val1879Phe; replaces valine 1879 with phenylalanine.
Molecular consequence: missense variant. On other transcripts: intron variant (2).
Genome position (GRCh38, 1-based): chr16:15,715,060, C>A on the plus strand (G>T on the coding strand, the complement: MYH11 is on the minus strand). VCF-style: chr16-15715060-C-A. GRCh37 (hg19) VCF-style: chr16-15808917-C-A.
Other names: c.5656G>T, p.Val1886Phe (NM_001040113.2, NM_001040114.2); c.5635G>T, p.Val1879Phe (NM_022844.3); c.948-9131C>A (NM_001143979.2, NM_017668.3); short protein forms V1879F, V1886F.
Identifiers: ClinVar variation 2828924 (VCV002828924.3), dbSNP rs138206921, ClinGen allele CA394847056.